The following is an entry in ClinVar:

NM_015335.5(MED13L):c.3322A>G (p.Ser1108Gly)

Gene: MED13L (mediator complex subunit 13L; minus strand). Cytogenetic location: 12q24.21.
Variant type: single nucleotide variant.
Coding change: c.3322A>G on transcript NM_015335.5 (MANE Select); coding-DNA position 3322, A replaced by G.
Protein change: p.Ser1108Gly; replaces serine 1108 with glycine.
Molecular consequence: missense variant.
Genome position (GRCh38, 1-based): chr12:115,991,632, T>C on the plus strand (A>G on the coding strand, the complement: MED13L is on the minus strand). VCF-style: chr12-115991632-T-C. GRCh37 (hg19) VCF-style: chr12-116429437-T-C.
Other names: short protein forms S1108G.
Identifiers: ClinVar variation 3682398 (VCV003682398.2).

ClinVar aggregate classification (germline): Uncertain significance (1 of 4 stars; one submission).

Conditions:
Dextro-looped transposition of the great arteries. Also called: Dextrotransposition of the great arteries. Identifiers: Orphanet 860, MedGen C3531771, MONDO:0019443, OMIM 608808, HP:0031348.

gnomAD v4.1: 1 of 1,614,086 alleles (0.000062%); highest among the groups gnomAD compares: East Asian, 0.0022%; no homozygotes.

Submission:

Labcorp Genetics (formerly Invitae), Labcorp
Classification: Uncertain significance for Dextro-looped transposition of the great arteries. Last evaluated: 2024-04-03. Review status: criteria provided, single submitter. Criteria: Invitae Variant Classification Sherloc (09022015). Collection method: clinical testing. Allele origin: germline.
Comment: This sequence change replaces serine, which is neutral and polar, with glycine, which is neutral and non-polar, at codon 1108 of the MED13L protein (p.Ser1108Gly). This variant is present in population databases (no rsID available, gnomAD 0.006%). This variant has not been reported in the literature in individuals affected with MED13L-related conditions. Advanced modeling of protein sequence and biophysical properties (such as structural, functional, and spatial information, amino acid conservation, physicochemical variation, residue mobility, and thermodynamic stability) performed at Invitae indicates that this missense variant is not expected to disrupt MED13L protein function with a negative predictive value of 80%. In summary, the available evidence is currently insufficient to determine the role of this variant in disease. Therefore, it has been classified as a Variant of Uncertain Significance.